The following is an entry in ClinVar:

NM_001127671.2(LIFR):c.2878A>G (p.Asn960Asp)

Gene: LIFR (LIF receptor subunit alpha; minus strand). Cytogenetic location: 5p13.1.
Variant type: single nucleotide variant.
Coding change: c.2878A>G on transcript NM_001127671.2 (MANE Select); coding-DNA position 2878, A replaced by G.
Protein change: p.Asn960Asp; replaces asparagine 960 with aspartic acid.
Molecular consequence: missense variant.
Genome position (GRCh38, 1-based): chr5:38,482,011, T>C on the plus strand (A>G on the coding strand, the complement: LIFR is on the minus strand). VCF-style: chr5-38482011-T-C. GRCh37 (hg19) VCF-style: chr5-38482113-T-C.
Other names: c.2878A>G, p.Asn960Asp (NM_001364297.2, NM_002310.6); c.2845A>G, p.Asn949Asp (NM_001364298.2); short protein forms N949D, N960D.
Identifiers: ClinVar variation 2634071 (VCV002634071.2), dbSNP rs1331656051, ClinGen allele CA359534037.
Genomic context (GRCh38, chr5:38,482,011, plus strand): 5'-TCGACTGAACATCAATGTAAATAACCTGTGCAGTCCCTCCAGCTTCATCTGCGGCTGGGT[T>C]TGGTATTTCTTCCTCAATGATGGGTGGACAATAGGACACAACCACATGGTTTTCAGGCTC-3'
Protein context (NP_001121143.1, residues 950-970): CPPIIEEEIP[Asn960Asp]PAADEAGGTA

ClinVar aggregate classification (germline): Uncertain significance (1 of 4 stars; one submission).

Conditions:
LIFR-related disorder. Also called: LIFR-related condition.

Allele frequency attached by ClinVar (database versions not stated): TOPMed below 0.00001; gnomAD 0.00001.
gnomAD v4.1: 2 of 1,613,992 alleles (0.00012%); highest among the groups gnomAD compares: Admixed American, 0.0017%; no homozygotes.

Submission:

PreventionGenetics, part of Exact Sciences
Classification: Uncertain significance for LIFR-related condition. Last evaluated: 2025-10-22. Review status: criteria provided, single submitter. Criteria: ACMG Guidelines, 2015. Collection method: clinical testing. Allele origin: germline.
Comment: The LIFR c.2878A>G variant is predicted to result in the amino acid substitution p.Asn960Asp. To our knowledge, this variant has not been reported in the literature or in a large population database (gnomAD), indicating this variant is rare. At this time, the clinical significance of this variant is uncertain due to the absence of conclusive functional and genetic evidence.